The following is an entry in ClinVar:

ClinVar aggregate classification (germline): Uncertain significance (1 of 4 stars; one submission).

Conditions:
Kabuki syndrome. Also called: Kabuki make-up syndrome; NIIKAWA-KUROKI SYNDROME. Identifiers: Orphanet 2322, MedGen C0796004, MONDO:0016512.

Allele frequency attached by ClinVar (database versions not stated): gnomAD exomes below 0.00001; gnomAD 0.00001.
gnomAD v4.1: 3 of 1,613,420 alleles (0.00019%); no homozygotes.

Submission:

Labcorp Genetics (formerly Invitae), Labcorp
Classification: Uncertain significance for Kabuki syndrome. Last evaluated: 2023-04-27. Review status: criteria provided, single submitter. Criteria: Invitae Variant Classification Sherloc (09022015). Collection method: clinical testing. Allele origin: germline.
Comment: This sequence change replaces alanine, which is neutral and non-polar, with valine, which is neutral and non-polar, at codon 975 of the KMT2D protein (p.Ala975Val). In summary, the available evidence is currently insufficient to determine the role of this variant in disease. Therefore, it has been classified as a Variant of Uncertain Significance. Advanced modeling of protein sequence and biophysical properties (such as structural, functional, and spatial information, amino acid conservation, physicochemical variation, residue mobility, and thermodynamic stability) performed at Invitae indicates that this missense variant is not expected to disrupt KMT2D protein function. ClinVar contains an entry for this variant (Variation ID: 1718892). This variant has not been reported in the literature in individuals affected with KMT2D-related conditions. This variant is not present in population databases (gnomAD no frequency).

NM_003482.4(KMT2D):c.2924C>T (p.Ala975Val)

Gene: KMT2D (lysine methyltransferase 2D; minus strand). Cytogenetic location: 12q13.12.
Variant type: single nucleotide variant.
Coding change: c.2924C>T on transcript NM_003482.4 (MANE Select); coding-DNA position 2924, C replaced by T.
Protein change: p.Ala975Val; replaces alanine 975 with valine.
Molecular consequence: missense variant.
Genome position (GRCh38, 1-based): chr12:49,050,664, G>A on the plus strand (C>T on the coding strand, the complement: KMT2D is on the minus strand). VCF-style: chr12-49050664-G-A. GRCh37 (hg19) VCF-style: chr12-49444447-G-A.
Other names: short protein forms A975V.
Identifiers: ClinVar variation 1718892 (VCV001718892.5), dbSNP rs1937911763, ClinGen allele CA384660444.
Genomic context (GRCh38, chr12:49,050,664, plus strand): 5'-GGCTCAGGGTCAGTGCAGTTAGCTTCTGGTGGAGGGCTGATGGGTGTCTCCAGGATGGGG[G>A]CAGCCAACGGTGACTCAGGGTCACTGTCCCCTTTGGCACCAAAGGGGTACTCTAACTCCC-3'
Protein context (NP_003473.3, residues 965-985): GDSDPESPLA[Ala975Val]PILETPISPP